The following is an entry in ClinVar:

NM_000431.4(MVK):c.830G>A (p.Arg277His)

Gene: MVK (mevalonate kinase; plus strand). Cytogenetic location: 12q24.11.
Variant type: single nucleotide variant.
Coding change: c.830G>A on transcript NM_000431.4 (MANE Select); coding-DNA position 830, G replaced by A.
Protein change: p.Arg277His; replaces arginine 277 with histidine.
Molecular consequence: missense variant.
Genome position (GRCh38, 1-based): chr12:109,591,302, G>A. VCF-style: chr12-109591302-G-A. GRCh37 (hg19) VCF-style: chr12-110029107-G-A.
Other names: c.830G>A, p.Arg277His (NM_001114185.3); c.674G>A, p.Arg225His (NM_001301182.2); short protein forms R277H, R225H.
Identifiers: ClinVar variation 97631 (VCV000097631.14), dbSNP rs104895352, ClinGen allele CA149912.

ClinVar aggregate classification (germline): Conflicting classifications of pathogenicity. Review status: criteria provided, conflicting classifications (1 of 4 stars). 6 submissions from 6 submitters: Pathogenic (1); Likely pathogenic (3); Uncertain significance (1). 1 of the submissions does not count toward it. Last evaluated 2026-07-28.

Conditions:
Autoinflammatory syndrome. Identifiers: Orphanet 93665, MedGen C3890737, MONDO:0019751.
MVK-related disorder. Also called: MVK-related condition; MVK-related disorders. Identifiers: MedGen CN239294.
Porokeratosis 3, disseminated superficial actinic type (POROK3). Also called: POROKERATOSIS, DISSEMINATED SUPERFICIAL ACTINIC, 1; POROKERATOSIS 3, MULTIPLE TYPES; POROKERATOSIS 3, MIBELLI TYPE. Identifiers: MedGen C1867981, MONDO:0008293, OMIM 175900.
Mevalonic aciduria (MEVA). Identifiers: Orphanet 29, MedGen C1959626, MONDO:0012481, OMIM 610377.
Hyperimmunoglobulin D with periodic fever (HIDS). Also called: HYPERIMMUNOGLOBULINEMIA D AND PERIODIC FEVER SYNDROME; Hyperimmunoglobulinemia D with periodic fever; Hyperimmunoglobulinemia D. Identifiers: Orphanet 343, MedGen C0398691, MONDO:0009849, OMIM 260920.

Allele frequency attached by ClinVar (database versions not stated): ExAC 0.00001; gnomAD exomes 0.00001; TOPMed 0.00001; gnomAD 0.00002 and 0.00003.
gnomAD v4.1: 25 of 1,614,068 alleles (0.0015%); highest among the groups gnomAD compares: Middle Eastern, 0.016%; no homozygotes.

Submissions (6):

PreventionGenetics, part of Exact Sciences
Classification: Likely pathogenic for MVK-related condition. Last evaluated: 2026-07-28. Review status: criteria provided, single submitter. Criteria: ACMG Guidelines, 2015. Collection method: clinical testing. Allele origin: germline.
Comment: The MVK c.830G>A variant is predicted to result in the amino acid substitution p.Arg277His. This variant has been reported in the compound heterozygous state in monozygotic twins with clinical features of hyperimmunoglobulinemia D with periodic fever syndrome (HIDS) (R277H and I268T, Hospach et al. 2005. PubMed ID: 16255052). In addition, their affected mother was also compound heterozygous for the c.830G>A (p.Arg277His) variant and a different MVK variant (R277H and G25G, Hospach et al. 2005. PubMed ID: 16255052). This variant is reported in 0.0080% of alleles in individuals of African descent in gnomAD and is interpreted as likely pathogenic/pathogenic in ClinVar (Variation ID: 97631). An alternate missense at the same amino acid position, p.Arg277Cys, has been reported along with a second MVK variant in an individual with mevalonate kinase deficiency (MKD) and patient fibroblasts showed significantly decreased protein activity (Mandey et al. 2006. PubMed ID: 16835861). This variant is interpreted as likely pathogenic.

Fulgent Genetics
Classification: Likely pathogenic for Porokeratosis 3, disseminated superficial actinic type; Hyperimmunoglobulin D with periodic fever; Mevalonic aciduria. Last evaluated: 2024-06-03. Review status: criteria provided, single submitter. Criteria: ACMG Guidelines, 2015. Collection method: clinical testing. Allele origin: germline.

Labcorp Genetics (formerly Invitae), Labcorp
Classification: Pathogenic for Mevalonic aciduria; Hyperimmunoglobulin D with periodic fever; Porokeratosis 3, disseminated superficial actinic type. Last evaluated: 2023-10-14. Review status: criteria provided, single submitter. Criteria: Invitae Variant Classification Sherloc (09022015). Collection method: clinical testing. Allele origin: germline.
Comment: This sequence change replaces arginine, which is basic and polar, with histidine, which is basic and polar, at codon 277 of the MVK protein (p.Arg277His). This variant is present in population databases (rs104895352, gnomAD 0.008%). This missense change has been observed in individual(s) with hyperimmunoglobulinemia D and periodic fever syndrome (HIDS) (PMID: 16255052). In at least one individual the data is consistent with being in trans (on the opposite chromosome) from a pathogenic variant. It has also been observed to segregate with disease in related individuals. ClinVar contains an entry for this variant (Variation ID: 97631). Advanced modeling of protein sequence and biophysical properties (such as structural, functional, and spatial information, amino acid conservation, physicochemical variation, residue mobility, and thermodynamic stability) performed at Invitae indicates that this missense variant is not expected to disrupt MVK protein function. This variant disrupts the p.Arg277 amino acid residue in MVK. Other variant(s) that disrupt this residue have been observed in individuals with MVK-related conditions (PMID: 11111075, 16835861, 24656624), which suggests that this may be a clinically significant amino acid residue. For these reasons, this variant has been classified as Pathogenic.

Blueprint Genetics
Classification: Uncertain significance. Last evaluated: 2022-01-14. Review status: criteria provided, single submitter. Criteria: ACMG Guidelines, 2015. Collection method: clinical testing. Allele origin: germline.

Genome Diagnostics Laboratory, The Hospital for Sick Children
Classification: Likely pathogenic for Autoinflammatory syndrome. Last evaluated: 2019-11-01. Review status: criteria provided, single submitter. Criteria: ACMG Guidelines, 2015. Collection method: clinical testing. Allele origin: germline. Affected: yes.

Unité médicale des maladies autoinflammatoires, CHRU Montpellier
No classification provided. Condition: Hyperimmunoglobulin D with periodic fever. Review status: no classification provided. Collection method: not provided. Allele origin: unknown. Not counted in ClinVar's aggregate classification.
Comment: also involved in OMIM 25117

Literature cited by the submitters: PubMed 16255052 (cited by Labcorp Genetics (formerly Invitae), Labcorp); PubMed 11111075 (cited by Labcorp Genetics (formerly Invitae), Labcorp); PubMed 16835861 (cited by Labcorp Genetics (formerly Invitae), Labcorp); PubMed 24656624 (cited by Labcorp Genetics (formerly Invitae), Labcorp).